The following is an entry in ClinVar:

NM_005732.4(RAD50):c.577C>T (p.Arg193Trp)

Gene: RAD50 (RAD50 double strand break repair protein; plus strand). Cytogenetic location: 5q31.1.
Variant type: single nucleotide variant.
Coding change: c.577C>T on transcript NM_005732.4 (MANE Select); coding-DNA position 577, C replaced by T.
Protein change: p.Arg193Trp; replaces arginine 193 with tryptophan.
Molecular consequence: missense variant.
Genome position (GRCh38, 1-based): chr5:132,579,887, C>T. VCF-style: chr5-132579887-C-T. GRCh37 (hg19) VCF-style: chr5-131915579-C-T.
Other names: short protein forms R193W.
Identifiers: ClinVar variation 408389 (VCV000408389.16), dbSNP rs28903087, ClinGen allele CA3405002.

ClinVar aggregate classification (germline): Uncertain significance. Review status: criteria provided, multiple submitters, no conflicts (2 of 4 stars). 3 submissions from 3 submitters: Uncertain significance (3). Last evaluated 2025-12-01.

Conditions:
Hereditary cancer-predisposing syndrome. Also called: Hereditary Cancer Syndrome; Hereditary neoplastic syndrome; Neoplastic Syndromes, Hereditary; Tumor predisposition. Identifiers: Orphanet 140162, MedGen C0027672, MeSH D009386, MONDO:0015356.
Nijmegen breakage syndrome-like disorder (NBSLD). Also called: MICROCEPHALY AND SPONTANEOUS CHROMOSOME INSTABILITY WITHOUT IMMUNODEFICIENCY; NBS-LIKE DISORDER; RAD50 DEFICIENCY. Identifiers: Orphanet 240760, MedGen C2751318, MONDO:0013118, OMIM 613078.

Allele frequency attached by ClinVar (database versions not stated): ExAC 0.00001; gnomAD 0.00001; gnomAD exomes 0.00001; TOPMed 0.00001; ESP Exome Variant Server 0.00008.

Submissions (3):

Labcorp Genetics (formerly Invitae), Labcorp
Classification: Uncertain significance for Hereditary cancer-predisposing syndrome. Last evaluated: 2025-12-01. Review status: criteria provided, single submitter. Criteria: Invitae Variant Classification Sherloc (09022015). Collection method: clinical testing. Allele origin: germline.
Comment: This sequence change replaces arginine, which is basic and polar, with tryptophan, which is neutral and slightly polar, at codon 193 of the RAD50 protein (p.Arg193Trp). This variant is present in population databases (rs28903087, gnomAD 0.004%). This missense change has been observed in individual(s) with breast cancer (PMID: 16385572, 20571869). ClinVar contains an entry for this variant (Variation ID: 408389). Invitae Evidence Modeling of protein sequence and biophysical properties (such as structural, functional, and spatial information, amino acid conservation, physicochemical variation, residue mobility, and thermodynamic stability) indicates that this missense variant is expected to disrupt RAD50 protein function with a positive predictive value of 80%. Algorithms developed to predict the effect of sequence changes on RNA splicing suggest that this variant may disrupt the consensus splice site. In summary, the available evidence is currently insufficient to determine the role of this variant in disease. Therefore, it has been classified as a Variant of Uncertain Significance.

Fulgent Genetics
Classification: Uncertain significance for Nijmegen breakage syndrome-like disorder. Last evaluated: 2024-06-14. Review status: criteria provided, single submitter. Criteria: ACMG Guidelines, 2015. Collection method: clinical testing. Allele origin: germline.

Ambry Genetics
Classification: Uncertain significance for Hereditary cancer-predisposing syndrome. Last evaluated: 2023-01-12. Review status: criteria provided, single submitter. Criteria: Ambry Variant Classification Scheme 2023. Collection method: clinical testing. Allele origin: germline.
Comment: The p.R193W variant (also known as c.577C>T), located in coding exon 5 of the RAD50 gene, results from a C to T substitution at nucleotide position 577. The arginine at codon 193 is replaced by tryptophan, an amino acid with dissimilar properties. This alteration was reported in two European individuals with breast cancer as part of two separate case-control studies (Tommiska J et al. Int. J. Cancer. 2006 Jun;118:2911-6; Mosor M et al. Breast Cancer Res. Treat. 2010 Sep;123:607-9). This amino acid position is highly conserved in available vertebrate species. In addition, the in silico prediction for this alteration is inconclusive. Since supporting evidence is limited at this time, the clinical significance of this alteration remains unclear.

Literature cited by the submitters: PubMed 16385572 (cited by Labcorp Genetics (formerly Invitae), Labcorp and Ambry Genetics); PubMed 20571869 (cited by Labcorp Genetics (formerly Invitae), Labcorp and Ambry Genetics).